The following is an entry in ClinVar:

NM_001347721.2(DYRK1A):c.788C>A (p.Ala263Glu)

Gene: DYRK1A (dual specificity tyrosine phosphorylation regulated kinase 1A; plus strand). Cytogenetic location: 21q22.13.
Variant type: single nucleotide variant.
Coding change: c.788C>A on transcript NM_001347721.2 (MANE Select); coding-DNA position 788, C replaced by A.
Protein change: p.Ala263Glu; replaces alanine 263 with glutamic acid.
Molecular consequence: missense variant.
Genome position (GRCh38, 1-based): chr21:37,490,325, C>A. VCF-style: chr21-37490325-C-A. GRCh37 (hg19) VCF-style: chr21-38862627-C-A.
Other names: c.788C>A, p.Ala263Glu (NM_001347722.2, NM_130436.2); c.701C>A, p.Ala234Glu (NM_001347723.2); c.815C>A, p.Ala272Glu (NM_001396.5, NM_101395.2, NM_130438.2); short protein forms A263E, A272E, A234E.
Identifiers: ClinVar variation 4999218 (VCV004999218.1).
Genomic context (GRCh38, chr21:37,490,325, plus strand): 5'-CCAATTTCCGAGGGGTCTCTTTGAACCTAACACGAAAGTTTGCGCAACAGATGTGCACTG[C>A]ACTGCTTTTCCTTGCGACTCCAGAACTTAGTATCATTCACTGTGATCTAAAACCTGAAAA-3'
Protein context (NP_001334650.1, residues 253-273): TRKFAQQMCT[Ala263Glu]LLFLATPELS

ClinVar aggregate classification (germline): Likely pathogenic (1 of 4 stars; one submission).

Conditions:
DYRK1A-related disorder.

Submission:

PreventionGenetics, part of Exact Sciences
Classification: Likely pathogenic for DYRK1A-related condition. Last evaluated: 2024-11-19. Review status: criteria provided, single submitter. Criteria: ACMG Guidelines, 2015. Collection method: clinical testing. Allele origin: germline.
Comment: The DYRK1A c.815C>A variant is predicted to result in the amino acid substitution p.Ala272Glu. To our knowledge, this variant has not been reported in the literature or in a large population database (gnomAD), indicating this variant is rare. This variant location is highly conserved (Alamut Visual Plus, 2022) and within an active binding site (Falkes et al. 2015. PubMed ID: 25730262). Taken together, this variant is interpreted as likely pathogenic.